The following is an entry in ClinVar:

NM_006269.2(RP1):c.1805A>G (p.Asn602Ser)

Gene: RP1 (RP1 axonemal microtubule associated; plus strand). Cytogenetic location: 8q12.1.
Variant type: single nucleotide variant.
Coding change: c.1805A>G on transcript NM_006269.2 (MANE Select); coding-DNA position 1805, A replaced by G.
Protein change: p.Asn602Ser; replaces asparagine 602 with serine.
Molecular consequence: missense variant. On other transcripts: intron variant (1).
Genome position (GRCh38, 1-based): chr8:54,625,687, A>G. VCF-style: chr8-54625687-A-G. GRCh37 (hg19) VCF-style: chr8-55538247-A-G.
Other names: c.787+3399A>G (NM_001375654.1); short protein forms N602S.
Identifiers: ClinVar variation 1014060 (VCV001014060.8), dbSNP rs1229978294, ClinGen allele CA370991675.

ClinVar aggregate classification (germline): Uncertain significance (1 of 4 stars; one submission).

Allele frequency attached by ClinVar (database versions not stated): gnomAD exomes below 0.00001.
gnomAD v4.1: 2 of 1,614,130 alleles (0.00012%); highest among the groups gnomAD compares: Non-Finnish European, 0.00017%; no homozygotes.

Submission:

Labcorp Genetics (formerly Invitae), Labcorp
Classification: Uncertain significance. Last evaluated: 2020-08-11. Review status: criteria provided, single submitter. Criteria: Invitae Variant Classification Sherloc (09022015). Collection method: clinical testing. Allele origin: germline.
Comment: This variant has not been reported in the literature in individuals with RP1-related conditions. Algorithms developed to predict the effect of missense changes on protein structure and function output the following: SIFT: "Tolerated"; PolyPhen-2: "Benign"; Align-GVGD: "Class C0". The serine amino acid residue is found in multiple mammalian species, suggesting that this missense change does not adversely affect protein function. These predictions have not been confirmed by published functional studies and their clinical significance is uncertain. In summary, the available evidence is currently insufficient to determine the role of this variant in disease. Therefore, it has been classified as a Variant of Uncertain Significance. This variant is not present in population databases (ExAC no frequency). This sequence change replaces asparagine with serine at codon 602 of the RP1 protein (p.Asn602Ser). The asparagine residue is moderately conserved and there is a small physicochemical difference between asparagine and serine.